The following is an entry in ClinVar:

ClinVar aggregate classification (germline): Uncertain significance (1 of 4 stars; one submission).

Submission:

GeneDx
Classification: Uncertain significance. Last evaluated: 2025-03-28. Review status: criteria provided, single submitter. Criteria: GeneDx Variant Classification Process June 2021. Collection method: clinical testing. Allele origin: germline. Affected: yes.
Comment: Not observed at significant frequency in large population cohorts (gnomAD); In silico analysis supports that this missense variant has a deleterious effect on protein structure/function; Has not been previously published as pathogenic or benign to our knowledge

NM_018706.7(DHTKD1):c.2708G>C (p.Gly903Ala)

Gene: DHTKD1 (dehydrogenase E1 and transketolase domain containing 1; plus strand). Cytogenetic location: 10p14.
Variant type: single nucleotide variant.
Coding change: c.2708G>C on transcript NM_018706.7 (MANE Select); coding-DNA position 2708, G replaced by C.
Protein change: p.Gly903Ala; replaces glycine 903 with alanine.
Molecular consequence: missense variant.
Genome position (GRCh38, 1-based): chr10:12,120,836, G>C. VCF-style: chr10-12120836-G-C. GRCh37 (hg19) VCF-style: chr10-12162835-G-C.
Other names: short protein forms G903A.
Identifiers: ClinVar variation 4087989 (VCV004087989.1).